The following is an entry in ClinVar:

ClinVar aggregate classification (germline): Uncertain significance (1 of 4 stars; one submission).

Submission:

Labcorp Genetics (formerly Invitae), Labcorp
Classification: Uncertain significance. Last evaluated: 2024-01-08. Review status: criteria provided, single submitter. Criteria: Invitae Variant Classification Sherloc (09022015). Collection method: clinical testing. Allele origin: germline.
Comment: This sequence change replaces arginine, which is basic and polar, with lysine, which is basic and polar, at codon 4192 of the ADGRV1 protein (p.Arg4192Lys). This variant is not present in population databases (gnomAD no frequency). This variant has not been reported in the literature in individuals affected with ADGRV1-related conditions. ClinVar contains an entry for this variant (Variation ID: 1446682). Advanced modeling of protein sequence and biophysical properties (such as structural, functional, and spatial information, amino acid conservation, physicochemical variation, residue mobility, and thermodynamic stability) performed at Invitae indicates that this missense variant is not expected to disrupt ADGRV1 protein function with a negative predictive value of 95%. In summary, the available evidence is currently insufficient to determine the role of this variant in disease. Therefore, it has been classified as a Variant of Uncertain Significance.

NM_032119.4(ADGRV1):c.12575G>A (p.Arg4192Lys)

Gene: ADGRV1 (adhesion G protein-coupled receptor V1; plus strand). Cytogenetic location: 5q14.3.
Variant type: single nucleotide variant.
Coding change: c.12575G>A on transcript NM_032119.4 (MANE Select); coding-DNA position 12575, G replaced by A.
Protein change: p.Arg4192Lys; replaces arginine 4192 with lysine.
Molecular consequence: missense variant. On other transcripts: non-coding transcript variant (1).
Genome position (GRCh38, 1-based): chr5:90,777,952, G>A. VCF-style: chr5-90777952-G-A. GRCh37 (hg19) VCF-style: chr5-90073769-G-A.
Other names: short protein forms R4192K.
Identifiers: ClinVar variation 1446682 (VCV001446682.6), dbSNP rs2150076610, ClinGen allele CA360387177.
Genomic context (GRCh38, chr5:90,777,952, plus strand): 5'-TTTATTGTTGTAGCCTTGTTCGAGGCCCAGGGATTTTGGGGGAGGTCACAGTGTTCTGGA[G>A]GATATTCCCTCCTTCCGTGGGGGAATTTGCTGAAACATCAGGAAAACTGACAATGCGAGA-3'
Protein context (NP_115495.3, residues 4182-4202): GILGEVTVFW[Arg4192Lys]IFPPSVGEFA